The following is an entry in ClinVar:

ClinVar aggregate classification (germline): Likely benign. Review status: criteria provided, multiple submitters, no conflicts (2 of 4 stars). 3 submissions from 3 submitters: Likely benign (3). Last evaluated 2025-10-29.

Conditions:
TTN-related disorder. Also called: TTN-related disorders; TTN-related condition; TTN-related disease.
Autosomal recessive limb-girdle muscular dystrophy type 2J (LGMDR10). Also called: Limb-girdle muscular dystrophy, type 2J; MUSCULAR DYSTROPHY, LIMB-GIRDLE, AUTOSOMAL RECESSIVE 10. Identifiers: Orphanet 140922, MedGen C1837342, MONDO:0012127, OMIM 608807.
Dilated cardiomyopathy 1G (CMD1G). Identifiers: Orphanet 154, MedGen C1858763, MONDO:0011400, OMIM 604145.

Allele frequency attached by ClinVar (database versions not stated): gnomAD exomes 0.00001.
gnomAD v4.1: 13 of 1,613,776 alleles (0.00081%); highest among the groups gnomAD compares: East Asian, 0.0022%; no homozygotes.

Submissions (3):

Labcorp Genetics (formerly Invitae), Labcorp
Classification: Likely benign for Dilated cardiomyopathy 1G; Autosomal recessive limb-girdle muscular dystrophy type 2J. Last evaluated: 2025-10-29. Review status: criteria provided, single submitter. Criteria: Invitae Variant Classification Sherloc (09022015). Collection method: clinical testing. Allele origin: germline.

PreventionGenetics, part of Exact Sciences
Classification: Likely benign for TTN-related condition. Last evaluated: 2025-09-26. Review status: criteria provided, single submitter. Criteria: ACMG Guidelines, 2015. Collection method: clinical testing. Allele origin: germline.
Comment: This variant is classified as likely benign based on ACMG/AMP sequence variant interpretation guidelines (Richards et al. 2015 PMID: 25741868, with internal and published modifications).

GeneDx
Classification: Likely benign. Last evaluated: 2018-04-11. Review status: criteria provided, single submitter. Criteria: GeneDx Variant Classification Process June 2021. Collection method: clinical testing. Allele origin: germline. Affected: yes.

NM_001267550.2(TTN):c.15972G>A (p.Glu5324=)

Gene: TTN (titin; minus strand). Cytogenetic location: 2q31.2.
Variant type: single nucleotide variant.
Coding change: c.15972G>A on transcript NM_001267550.2 (MANE Select); coding-DNA position 15972, G replaced by A.
Protein change: p.Glu5324=; no amino-acid change (glutamic acid 5324 retained).
Molecular consequence: synonymous variant. On other transcripts: intron variant (3).
Genome position (GRCh38, 1-based): chr2:178,733,321, C>T on the plus strand (G>A on the coding strand, the complement: TTN is on the minus strand). VCF-style: chr2-178733321-C-T. GRCh37 (hg19) VCF-style: chr2-179598048-C-T.
Other names: c.15021G>A, p.Glu5007= (NM_001256850.1); c.12240G>A, p.Glu4080= (NM_133378.4); c.13282+4761G>A (NM_003319.4); c.13858+4761G>A (NM_133437.4); c.13657+4761G>A (NM_133432.3).
Identifiers: ClinVar variation 388076 (VCV000388076.12), dbSNP rs1057522988, ClinGen allele CA16604225.